The following is an entry in ClinVar:

ClinVar aggregate classification (germline): Uncertain significance (1 of 4 stars; one submission).

Conditions:
Hereditary sensory and autonomic neuropathy type 6. Also called: Neuropathy, hereditary sensory and autonomic, type VI; HSAN VI. Identifiers: Orphanet 314381, MedGen C3539003, MONDO:0013839, OMIM 614653.
Epidermolysis bullosa simplex 3, localized or generalized intermediate, with BP230 deficiency (EBS3). Also called: Epidermolysis bullosa simplex due to BP230 deficiency; Epidermolysis bullosa simplex, autosomal recessive 2. Identifiers: Orphanet 412181, MedGen C3809470, MONDO:0014180, OMIM 615425.

Allele frequency attached by ClinVar (database versions not stated): TOPMed below 0.00001; gnomAD exomes 0.00001; ExAC 0.00003.
gnomAD v4.1: 12 of 1,613,142 alleles (0.00074%); highest among the groups gnomAD compares: South Asian, 0.0055%; no homozygotes.

Submission:

Labcorp Genetics (formerly Invitae), Labcorp
Classification: Uncertain significance for Epidermolysis bullosa simplex 3, localized or generalized intermediate, with BP230 deficiency; Hereditary sensory and autonomic neuropathy type 6. Last evaluated: 2022-04-28. Review status: criteria provided, single submitter. Criteria: Invitae Variant Classification Sherloc (09022015). Collection method: clinical testing. Allele origin: germline.
Comment: This variant has not been reported in the literature in individuals affected with DST-related conditions. In summary, the available evidence is currently insufficient to determine the role of this variant in disease. Therefore, it has been classified as a Variant of Uncertain Significance. Experimental studies and prediction algorithms are not available or were not evaluated, and the functional significance of this variant is currently unknown. This variant is present in population databases (rs769885412, gnomAD 0.003%). This sequence change replaces isoleucine, which is neutral and non-polar, with valine, which is neutral and non-polar, at codon 1169 of the DST protein (p.Ile1169Val). The DST gene has multiple clinically relevant transcripts. This variant occurs in alternate transcript NM_015548.4, and corresponds to NM_001723.5:c.*3978A>G in the primary transcript.

NM_001374736.1(DST):c.5116A>G (p.Ile1706Val)

Gene: DST (dystonin; minus strand). Cytogenetic location: 6p12.1.
Variant type: single nucleotide variant.
Coding change: c.5116A>G on transcript NM_001374736.1 (MANE Select); coding-DNA position 5116, A replaced by G.
Protein change: p.Ile1706Val; replaces isoleucine 1706 with valine.
Molecular consequence: missense variant.
Genome position (GRCh38, 1-based): chr6:56,611,539, T>C on the plus strand (A>G on the coding strand, the complement: DST is on the minus strand). VCF-style: chr6-56611539-T-C. GRCh37 (hg19) VCF-style: chr6-56476337-T-C.
Other names: c.5017A>G, p.Ile1673Val (NM_001144769.5); c.4603A>G, p.Ile1535Val (NM_001144770.2); c.5116A>G, p.Ile1706Val (NM_001374722.1); c.4483A>G, p.Ile1495Val (NM_001374729.1, NM_001374730.1, NM_001386100.1 and 1 more transcripts); c.5143A>G, p.Ile1715Val (NM_001374734.1); c.3505A>G, p.Ile1169Val (NM_015548.5); short protein forms I1495V, I1169V, I1535V, I1715V, I1673V, I1706V.
Identifiers: ClinVar variation 2147331 (VCV002147331.2), dbSNP rs769885412, ClinGen allele CA3869801.
Genomic context (GRCh38, chr6:56,611,539, plus strand): 5'-AATAAAAGAGCTAACTACAACCAACATACTTGTCTCCATGTTTTGCCAAAAAAAGCTGTA[T>C]AGTTTGAAGTGCTTCCGATAATTGTTCCTTCTTGGTTGATATTTCCTCACTGGAAATCTG-3'
Protein context (NP_001361665.1, residues 1696-1716): KEQLSEALQT[Ile1706Val]QLFLAKHGDK